The following is an entry in ClinVar:

NM_004725.4(BUB3):c.83A>T (p.Gln28Leu)

Genes: BUB3 (BUB3 mitotic checkpoint protein; plus strand), LOC130004885 (ATAC-STARR-seq lymphoblastoid active region 4151; plus strand). Cytogenetic location: 10q26.13.
Variant type: single nucleotide variant.
Coding change: c.83A>T on transcript NM_004725.4 (MANE Select); coding-DNA position 83, A replaced by T.
Protein change: p.Gln28Leu; replaces glutamine 28 with leucine.
Molecular consequence: missense variant.
Genome position (GRCh38, 1-based): chr10:123,155,000, A>T. VCF-style: chr10-123155000-A-T. GRCh37 (hg19) VCF-style: chr10-124914516-A-T.
Other names: c.83A>T, p.Gln28Leu (NM_001007793.3); short protein forms Q28L.
Identifiers: ClinVar variation 3224522 (VCV003224522.1), dbSNP rs758355503, ClinGen allele CA5731483.

ClinVar aggregate classification (germline): Uncertain significance (1 of 4 stars; one submission).

Allele frequency attached by ClinVar (database versions not stated): gnomAD exomes below 0.00001; ExAC 0.00001.
gnomAD v4.1: 1 of 1,614,156 alleles (0.000062%); highest among the groups gnomAD compares: South Asian, 0.0011%; no homozygotes.

Submission:

Ambry Genetics
Classification: Uncertain significance. Last evaluated: 2023-12-14. Review status: criteria provided, single submitter. Criteria: Ambry Variant Classification Scheme 2023. Collection method: clinical testing. Allele origin: germline.
Comment: The p.Q28L variant (also known as c.83A>T), located in coding exon 1 of the BUB3 gene, results from an A to T substitution at nucleotide position 83. The glutamine at codon 28 is replaced by leucine, an amino acid with dissimilar properties. This amino acid position is conserved. In addition, this alteration is predicted to be deleterious by in silico analysis. Since supporting evidence is limited at this time, the clinical significance of this alteration remains unclear.